The following is an entry in ClinVar:

ClinVar aggregate classification (germline): Uncertain significance (1 of 4 stars; one submission).

Submission:

Ambry Genetics
Classification: Uncertain significance. Last evaluated: 2023-12-15. Review status: criteria provided, single submitter. Criteria: Ambry Variant Classification Scheme 2023. Collection method: clinical testing. Allele origin: germline.
Comment: The p.E369K variant (also known as c.1105G>A), located in coding exon 7 of the POLQ gene, results from a G to A substitution at nucleotide position 1105. The glutamic acid at codon 369 is replaced by lysine, an amino acid with similar properties. This amino acid position is conserved. In addition, this alteration is predicted to be tolerated by in silico analysis. Since supporting evidence is limited at this time, the clinical significance of this alteration remains unclear.

NM_199420.4(POLQ):c.1105G>A (p.Glu369Lys)

Gene: POLQ (DNA polymerase theta; minus strand). Cytogenetic location: 3q13.33.
Variant type: single nucleotide variant.
Coding change: c.1105G>A on transcript NM_199420.4 (MANE Select); coding-DNA position 1105, G replaced by A.
Protein change: p.Glu369Lys; replaces glutamic acid 369 with lysine.
Molecular consequence: missense variant.
Genome position (GRCh38, 1-based): chr3:121,529,648, C>T on the plus strand (G>A on the coding strand, the complement: POLQ is on the minus strand). VCF-style: chr3-121529648-C-T. GRCh37 (hg19) VCF-style: chr3-121248495-C-T.
Other names: short protein forms E369K.
Identifiers: ClinVar variation 3229809 (VCV003229809.1), dbSNP rs2048396774, ClinGen allele CA354124168.
Genomic context (GRCh38, chr3:121,529,648, plus strand): 5'-ATTACTTTCAAGCAAATGTACTAAGCATGAAGGCTTTCCTTTCCATCCATAACTCACCCT[C>T]AGCTTGATGATGTAGATTATAAAACTCTCGAGCAATGATATCTGCCAGCTTCTCACACCA-3'
Protein context (NP_955452.3, residues 359-379): REFYNLHHQA[Glu369Lys]GLVKPSECPP